The following is an entry in ClinVar:

ClinVar aggregate classification (germline): Pathogenic (1 of 4 stars; one submission).

Conditions:
Ataxia-telangiectasia syndrome (AT). Also called: Ataxia-telangiectasia, complementation group E; LOUIS-BAR SYNDROME; Ataxia-telangiectasia, complementation group D; AT, COMPLEMENTATION GROUP C; Ataxia-telangiectasia; Cerebello-oculocutaneous telangiectasia. Identifiers: Orphanet 100, MedGen C0004135, MONDO:0008840, OMIM 208900.

Allele frequency attached by ClinVar (database versions not stated): gnomAD exomes below 0.00001.
gnomAD v4.1: 1 of 1,613,204 alleles (0.000062%); highest among the groups gnomAD compares: South Asian, 0.0011%; no homozygotes.

Submission:

Labcorp Genetics (formerly Invitae), Labcorp
Classification: Pathogenic for Ataxia-telangiectasia syndrome. Last evaluated: 2022-12-10. Review status: criteria provided, single submitter. Criteria: Invitae Variant Classification Sherloc (09022015). Collection method: clinical testing. Allele origin: germline.
Comment: This sequence change affects a donor splice site in intron 2 of the ATM gene. It is expected to disrupt RNA splicing. Variants that disrupt the donor or acceptor splice site typically lead to a loss of protein function (PMID: 16199547), and loss-of-function variants in ATM are known to be pathogenic (PMID: 23807571, 25614872). This variant is present in population databases (no rsID available, gnomAD 0.003%). Disruption of this splice site has been observed in individuals with breast cancer and autosomal recessive-ataxia telangiectasia (PMID: 9887333, 30287823; Invitae). ClinVar contains an entry for this variant (Variation ID: 1452631). Algorithms developed to predict the effect of sequence changes on RNA splicing suggest that this variant may disrupt the consensus splice site. For these reasons, this variant has been classified as Pathogenic.

Literature cited by the submitters: PubMed 16199547; PubMed 23807571; PubMed 25614872; PubMed 9887333; PubMed 30287823.

NM_000051.4(ATM):c.72+1G>T

Gene: ATM (ATM serine/threonine kinase; plus strand). Cytogenetic location: 11q22.3.
Variant type: single nucleotide variant.
Coding change: c.72+1G>T on transcript NM_000051.4 (MANE Select); the canonical splice donor site of the intron after coding-DNA position 72, G replaced by T.
Molecular consequence: splice donor variant.
Genome position (GRCh38, 1-based): chr11:108,227,697, G>T. VCF-style: chr11-108227697-G-T. GRCh37 (hg19) VCF-style: chr11-108098424-G-T.
Other names: c.72+1G>T (NM_001351834.2, NM_001351835.2, NM_001351836.2).
Identifiers: ClinVar variation 1452631 (VCV001452631.8), dbSNP rs786204088, ClinGen allele CA382519397.